The following is an entry in ClinVar:

ClinVar aggregate classification (germline): Likely pathogenic (1 of 4 stars; one submission).

Allele frequency attached by ClinVar (database versions not stated): gnomAD 0.00001; gnomAD exomes 0.00002; ExAC 0.00004; 1000 Genomes Project 30x 0.00016; 1000 Genomes Project 0.00020.
gnomAD v4.1: 32 of 1,612,862 alleles (0.002%); highest among the groups gnomAD compares: African/African-American, 0.0027%; no homozygotes.

Submission:

GeneDx
Classification: Likely pathogenic. Last evaluated: 2025-06-04. Review status: criteria provided, single submitter. Criteria: GeneDx Variant Classification Process June 2021. Collection method: clinical testing. Allele origin: germline.
Comment: Reported with a pathogenic variant on the opposite allele (in trans) in a patient with IARS2-related aminoacyl-tRNA synthetase deficiency in the published literature (PMID: 35228874); In silico analysis supports that this missense variant has a deleterious effect on protein structure/function; Not observed at significant frequency in large population cohorts (gnomAD); This variant is associated with the following publications: (PMID: 35228874, 33972171)

NM_018060.4(IARS2):c.2350C>T (p.Arg784Trp)

Gene: IARS2 (isoleucyl-tRNA synthetase 2, mitochondrial; plus strand). Cytogenetic location: 1q41.
Variant type: single nucleotide variant.
Coding change: c.2350C>T on transcript NM_018060.4 (MANE Select); coding-DNA position 2350, C replaced by T.
Protein change: p.Arg784Trp; replaces arginine 784 with tryptophan.
Molecular consequence: missense variant.
Genome position (GRCh38, 1-based): chr1:220,140,225, C>T. VCF-style: chr1-220140225-C-T. GRCh37 (hg19) VCF-style: chr1-220313567-C-T.
Other names: short protein forms R784W.
Identifiers: ClinVar variation 2503287 (VCV002503287.2), dbSNP rs539149720, ClinGen allele CA1401749.